The following is an entry in ClinVar:

ClinVar aggregate classification (germline): Likely benign. Review status: criteria provided, multiple submitters, no conflicts (2 of 4 stars). 2 submissions from 2 submitters: Likely benign (2). Last evaluated 2024-07-01.

Conditions:
Inborn genetic diseases. Identifiers: MedGen C0950123, MeSH D030342.

Allele frequency attached by ClinVar (database versions not stated): ExAC 0.00002; TOPMed 0.00006; gnomAD 0.00011; gnomAD exomes 0.00019; 1000 Genomes Project 0.00040; 1000 Genomes Project 30x 0.00062.
gnomAD v4.1: 287 of 1,613,660 alleles (0.018%); highest among the groups gnomAD compares: East Asian, 0.21%; no homozygotes.

Submissions (2):

Ambry Genetics
Classification: Likely benign for Inborn genetic diseases. Last evaluated: 2024-07-01. Review status: criteria provided, single submitter. Criteria: Ambry Variant Classification Scheme 2023. Collection method: clinical testing. Allele origin: germline.

CeGaT Center for Human Genetics Tuebingen
Classification: Likely benign. Last evaluated: 2024-04-01. Review status: criteria provided, single submitter. Criteria: CeGaT Center For Human Genetics Tuebingen Variant Classification Criteria Version 2. Collection method: clinical testing. Allele origin: germline. Affected: yes. Observed: 1 variant allele.
Comment: MED13: BP4

NM_005121.3(MED13):c.2584A>G (p.Thr862Ala)

Gene: MED13 (mediator complex subunit 13; minus strand). Cytogenetic location: 17q23.2.
Variant type: single nucleotide variant.
Coding change: c.2584A>G on transcript NM_005121.3 (MANE Select); coding-DNA position 2584, A replaced by G.
Protein change: p.Thr862Ala; replaces threonine 862 with alanine.
Molecular consequence: missense variant.
Genome position (GRCh38, 1-based): chr17:61,984,758, T>C on the plus strand (A>G on the coding strand, the complement: MED13 is on the minus strand). VCF-style: chr17-61984758-T-C. GRCh37 (hg19) VCF-style: chr17-60062119-T-C.
Other names: c.2584A>G (NM_005121.2); short protein forms T862A.
Identifiers: ClinVar variation 3234481 (VCV003234481.21), dbSNP rs200802584, ClinGen allele CA8692799.